The following is an entry in ClinVar:

ClinVar aggregate classification (germline): Conflicting classifications of pathogenicity. Review status: criteria provided, conflicting classifications (1 of 4 stars). 3 submissions from 3 submitters: Uncertain significance (1); Benign (1); Likely benign (1). Last evaluated 2025-11-26.

Conditions:
RAI1-related disorder. Also called: RAI1-related condition.
Inborn genetic diseases. Identifiers: MedGen C0950123, MeSH D030342.

Allele frequency attached by ClinVar (database versions not stated): gnomAD 0.00001; TOPMed 0.00002; ESP Exome Variant Server 0.00008.
gnomAD v4.1: 65 of 1,613,752 alleles (0.004%); highest among the groups gnomAD compares: Admixed American, 0.0067%; no homozygotes.

Submissions (3):

Labcorp Genetics (formerly Invitae), Labcorp
Classification: Likely benign. Last evaluated: 2025-11-26. Review status: criteria provided, single submitter. Criteria: Invitae Variant Classification Sherloc (09022015). Collection method: clinical testing. Allele origin: germline.

PreventionGenetics, part of Exact Sciences
Classification: Uncertain significance for RAI1-related condition. Last evaluated: 2025-09-22. Review status: criteria provided, single submitter. Criteria: ACMG Guidelines, 2015. Collection method: clinical testing. Allele origin: germline.
Comment: The RAI1 c.5170C>T variant is predicted to result in the amino acid substitution p.Arg1724Trp. To our knowledge, this variant has not been reported in the literature. This variant is reported in 0.012% of alleles in individuals of African descent in gnomAD, which is likely too common for an undocumented disease-causing variant. Although we suspect that this variant may be benign, at this time, the clinical significance of this variant is uncertain due to the absence of conclusive functional and genetic evidence.

Ambry Genetics
Classification: Benign for Inborn genetic diseases. Last evaluated: 2020-01-10. Review status: criteria provided, single submitter. Criteria: Ambry Variant Classification Scheme 2023. Collection method: clinical testing. Allele origin: germline.

NM_030665.4(RAI1):c.5170C>T (p.Arg1724Trp)

Gene: RAI1 (retinoic acid induced 1; plus strand). Cytogenetic location: 17p11.2.
Variant type: single nucleotide variant.
Coding change: c.5170C>T on transcript NM_030665.4 (MANE Select); coding-DNA position 5170, C replaced by T.
Protein change: p.Arg1724Trp; replaces arginine 1724 with tryptophan.
Molecular consequence: missense variant.
Genome position (GRCh38, 1-based): chr17:17,798,118, C>T. VCF-style: chr17-17798118-C-T. GRCh37 (hg19) VCF-style: chr17-17701432-C-T.
Other names: short protein forms R1724W.
Identifiers: ClinVar variation 1628066 (VCV001628066.12), dbSNP rs373198856, ClinGen allele CA8419100.
Genomic context (GRCh38, chr17:17,798,118, plus strand): 5'-GGGCCCTACTACCCTGAACACTGCCTCCCCAAAAAGAAGCCAAAACTCAAGGAGAAGGTG[C>T]GGCCAGAAGGCACCTGTGAGGAGGCCTCGCTGCCGCTTGAGAGAACACTCAAAGGTCCCG-3'
Protein context (NP_109590.3, residues 1714-1734): KKKPKLKEKV[Arg1724Trp]PEGTCEEASL